The following is an entry in ClinVar:

NM_001110556.2(FLNA):c.3225G>A (p.Pro1075=)

Gene: FLNA (filamin A; minus strand). Cytogenetic location: Xq28.
Variant type: single nucleotide variant.
Coding change: c.3225G>A on transcript NM_001110556.2 (MANE Select); coding-DNA position 3225, G replaced by A.
Protein change: p.Pro1075=; no amino-acid change (proline 1075 retained).
Molecular consequence: synonymous variant.
Genome position (GRCh38, 1-based): chrX:154,360,570, C>T on the plus strand (G>A on the coding strand, the complement: FLNA is on the minus strand). VCF-style: chrX-154360570-C-T. GRCh37 (hg19) VCF-style: chrX-153588938-C-T.
Other names: c.3225G>A, p.Pro1075= (NM_001456.4); c.3225G>A (NM_001110556.1).
Identifiers: ClinVar variation 519892 (VCV000519892.17), dbSNP rs782292169, ClinGen allele CA10560742.
Genomic context (GRCh38, chrX:154,360,570, plus strand): 5'-GGCGCCCTTGGTGTCGATGGTGAAGCGGGCGGGGGAGCCCGCACTGCCTCCCTGCAGCCC[C>T]GGCCCAAACGCCTTCACCTGAGGGAAGAAGGGGTCAGGAGCCAAGGCCACACTATGCCCC-3'
Protein context (NP_001104026.1, residues 1065-1085): TKPSKVKAFG[Pro1075=]GLQGGSAGSP

ClinVar aggregate classification (germline): Likely benign. Review status: criteria provided, multiple submitters, no conflicts (2 of 4 stars). 4 submissions from 4 submitters: Likely benign (3). 1 of the submissions does not count toward it. Last evaluated 2024-02-13.

Conditions:
Oto-palato-digital syndrome, type II (OPD2). Also called: Otopalatodigital Syndrome Type 2 (FLNA-OPD2); Otopalatodigital Syndrome, Type II; OPD II SYNDROME; FACIOPALATOOSSEOUS SYNDROME. Identifiers: Orphanet 669, Orphanet 90652, MedGen C1844696, MONDO:0010571, OMIM 304120.
Heterotopia, periventricular, X-linked dominant (PVNH1). Also called: PERIVENTRICULAR NODULAR HETEROTOPIA 1; PERIVENTRICULAR NODULAR HETEROTOPIA 4; HETEROTOPIA, PERIVENTRICULAR, 1; X-linked periventricular heterotopia. Identifiers: Orphanet 2149, Orphanet 82004, MedGen C1848213, MONDO:0010233, OMIM 300049.
Melnick-Needles syndrome (MNS). Also called: Melnick-Needles Syndrome (FLNA-MNS); OSTEODYSPLASTY OF MELNICK AND NEEDLES; MELNICK-NEEDLES OSTEODYSPLASTY. Identifiers: Orphanet 2484, MedGen C0025237, MONDO:0010650, OMIM 309350.
Frontometaphyseal dysplasia (FMD1). Identifiers: Orphanet 1826, MedGen C0265293, MONDO:0015942.
FLNA-related disorder.
Familial thoracic aortic aneurysm and aortic dissection (TAAD). Also called: Thoracic aortic aneurysms and dissections. Identifiers: Orphanet 91387, MedGen C4707243, MONDO:0019625.

Allele frequency attached by ClinVar (database versions not stated): gnomAD 0.00001; gnomAD exomes 0.00001 and 0.00004; TOPMed 0.00001; ExAC 0.00002.
gnomAD v4.1: 42 of 1,204,950 alleles (0.0035%); highest among the groups gnomAD compares: Non-Finnish European, 0.0044%; no homozygotes.

Submissions (4):

Labcorp Genetics (formerly Invitae), Labcorp
Classification: Likely benign for Oto-palato-digital syndrome, type II; Heterotopia, periventricular, X-linked dominant; Frontometaphyseal dysplasia; Melnick-Needles syndrome. Last evaluated: 2024-02-13. Review status: criteria provided, single submitter. Criteria: Invitae Variant Classification Sherloc (09022015). Collection method: clinical testing. Allele origin: germline.

Blueprint Genetics
Classification: Likely benign. Last evaluated: 2021-12-23. Review status: criteria provided, single submitter. Criteria: ACMG Guidelines, 2015. Collection method: clinical testing. Allele origin: germline.

Ambry Genetics
Classification: Likely benign for Familial thoracic aortic aneurysm and aortic dissection. Last evaluated: 2017-08-14. Review status: criteria provided, single submitter. Criteria: Ambry Variant Classification Scheme 2023. Collection method: clinical testing. Allele origin: germline.

PreventionGenetics, part of Exact Sciences
Classification: Likely benign for FLNA-related condition. Last evaluated: 2021-10-18. Review status: no assertion criteria provided. Collection method: clinical testing. Allele origin: germline. Not counted in ClinVar's aggregate classification.
Comment: This variant is classified as likely benign based on ACMG/AMP sequence variant interpretation guidelines (Richards et al. 2015 PMID: 25741868, with internal and published modifications).